The following is an entry in ClinVar:

ClinVar aggregate classification (germline): Uncertain significance (1 of 4 stars; one submission).

Submission:

GeneDx
Classification: Uncertain significance. Last evaluated: 2023-12-20. Review status: criteria provided, single submitter. Criteria: GeneDx Variant Classification Process June 2021. Collection method: clinical testing. Allele origin: germline. Affected: yes.
Comment: Not observed at significant frequency in large population cohorts (gnomAD); In silico analysis supports that this missense variant does not alter protein structure/function; Has not been previously published as pathogenic or benign to our knowledge

NM_001197104.2(KMT2A):c.9455C>G (p.Ala3152Gly)

Gene: KMT2A (lysine methyltransferase 2A; plus strand). Cytogenetic location: 11q23.3.
Variant type: single nucleotide variant.
Coding change: c.9455C>G on transcript NM_001197104.2 (MANE Select); coding-DNA position 9455, C replaced by G.
Protein change: p.Ala3152Gly; replaces alanine 3152 with glycine.
Molecular consequence: missense variant.
Genome position (GRCh38, 1-based): chr11:118,505,347, C>G. VCF-style: chr11-118505347-C-G. GRCh37 (hg19) VCF-style: chr11-118376062-C-G.
Other names: c.9545C>G, p.Ala3182Gly (NM_001412597.1); c.9446C>G, p.Ala3149Gly (NM_005933.4); short protein forms A3149G, A3152G, A3182G.
Identifiers: ClinVar variation 3365843 (VCV003365843.1).